The following is an entry in ClinVar:

ClinVar aggregate classification (germline): Uncertain significance. Review status: criteria provided, multiple submitters, no conflicts (2 of 4 stars). 3 submissions from 3 submitters: Uncertain significance (3). Last evaluated 2026-07-01.

Allele frequency attached by ClinVar (database versions not stated): TOPMed below 0.00001.

Submissions (3):

CeGaT Center for Human Genetics Tuebingen
Classification: Uncertain significance. Last evaluated: 2026-07-01. Review status: criteria provided, single submitter. Criteria: CeGaT Center For Human Genetics Tuebingen Variant Classification Criteria Version 2. Collection method: clinical testing. Allele origin: germline. Affected: yes. Observed: 3 variant alleles.
Comment: ANK1: PM2

Mayo Clinic Laboratories, Mayo Clinic
Classification: Uncertain significance. Last evaluated: 2025-07-02. Review status: criteria provided, single submitter. Criteria: ACMG Guidelines, 2015. Collection method: clinical testing. Allele origin: germline. Observed: 3 variant alleles.
Comment: PP3_moderate, PM2_supporting

Labcorp Genetics (formerly Invitae), Labcorp
Classification: Uncertain significance. Last evaluated: 2024-12-04. Review status: criteria provided, single submitter. Criteria: Invitae Variant Classification Sherloc (09022015). Collection method: clinical testing. Allele origin: germline.
Comment: This sequence change replaces leucine, which is neutral and non-polar, with proline, which is neutral and non-polar, at codon 390 of the ANK1 protein (p.Leu390Pro). This variant is not present in population databases (gnomAD no frequency). This variant has not been reported in the literature in individuals affected with ANK1-related conditions. ClinVar contains an entry for this variant (Variation ID: 2818767). Invitae Evidence Modeling of protein sequence and biophysical properties (such as structural, functional, and spatial information, amino acid conservation, physicochemical variation, residue mobility, and thermodynamic stability) has been performed for this missense variant. However, the output from this modeling did not meet the statistical confidence thresholds required to predict the impact of this variant on ANK1 protein function. In summary, the available evidence is currently insufficient to determine the role of this variant in disease. Therefore, it has been classified as a Variant of Uncertain Significance.

NM_000037.4(ANK1):c.1169T>C (p.Leu390Pro)

Gene: ANK1 (ankyrin 1; minus strand). Cytogenetic location: 8p11.21.
Variant type: single nucleotide variant.
Coding change: c.1169T>C on transcript NM_000037.4 (MANE Select); coding-DNA position 1169, T replaced by C.
Protein change: p.Leu390Pro; replaces leucine 390 with proline.
Molecular consequence: missense variant.
Genome position (GRCh38, 1-based): chr8:41,718,143, A>G on the plus strand (T>C on the coding strand, the complement: ANK1 is on the minus strand). VCF-style: chr8-41718143-A-G. GRCh37 (hg19) VCF-style: chr8-41575661-A-G.
Other names: p.Leu390Pro; c.1268T>C, p.Leu423Pro (NM_001142446.2); c.1169T>C, p.Leu390Pro (NM_020475.3, NM_020476.3, NM_020477.3); short protein forms L390P, L423P.
Identifiers: ClinVar variation 2818767 (VCV002818767.5), dbSNP rs1828228675, ClinGen allele CA371040019.
Genomic context (GRCh38, chr8:41,718,143, plus strand): 5'-GGCTCCTCTGCAGTCTCTCCTACCTCGGTGACCGCGTCGATCGAGGCTCCCGTCTTCAGC[A>G]GCAGCTCCATGACACGGACGTGGTTCTTTTTGCAGGCGATGTGTAAGGGGGTAAAGCCAT-3'
Protein context (NP_000028.3, residues 380-400): KKNHVRVMEL[Leu390Pro]LKTGASIDAV